The following is an entry in ClinVar:

NM_144599.5(NIPA1):c.154G>A (p.Gly52Ser)

Genes: NIPA1 (NIPA magnesium transporter 1; plus strand), LOC130056709 (ATAC-STARR-seq lymphoblastoid silent region 6259; plus strand). Cytogenetic location: 15q11.2.
Variant type: single nucleotide variant.
Coding change: c.154G>A on transcript NM_144599.5 (MANE Select); coding-DNA position 154, G replaced by A.
Protein change: p.Gly52Ser; replaces glycine 52 with serine.
Molecular consequence: missense variant. On other transcripts: intron variant (1).
Genome position (GRCh38, 1-based): chr15:22,786,810, G>A. VCF-style: chr15-22786810-G-A. GRCh37 (hg19) VCF-style: chr15-23086258-C-T.
Other names: c.-48+562G>A (NM_001142275.1); short protein forms G52S.
Identifiers: ClinVar variation 1420589 (VCV001420589.8), dbSNP rs1382408147, ClinGen allele CA391298933.
Genomic context (GRCh38, chr15:22,786,810, plus strand): 5'-CTGGGCGTGGCCGTCGTGTCGAGCCTGGTGAACGGGTCCACGTTCGTGCTACAGAAGAAG[G>A]GCATCGTGCGTGCCAAGCGGCGAGGTAGGGCGGGCGGCAGGCGGCAGGCGGCGGGCGGGT-3'
Protein context (NP_653200.2, residues 42-62): NGSTFVLQKK[Gly52Ser]IVRAKRRGTS

ClinVar aggregate classification (germline): Uncertain significance (1 of 4 stars; one submission).

Conditions:
Hereditary spastic paraplegia 6 (SPG6). Also called: SPASTIC PARAPLEGIA 6, AUTOSOMAL DOMINANT. Identifiers: Orphanet 100988, MedGen C1838192, MONDO:0010878, OMIM 600363.

Allele frequency attached by ClinVar (database versions not stated): gnomAD 0.00001.

Submission:

Labcorp Genetics (formerly Invitae), Labcorp
Classification: Uncertain significance for Hereditary spastic paraplegia 6. Last evaluated: 2020-12-02. Review status: criteria provided, single submitter. Criteria: Invitae Variant Classification Sherloc (09022015). Collection method: clinical testing. Allele origin: germline.
Comment: In summary, the available evidence is currently insufficient to determine the role of this variant in disease. Therefore, it has been classified as a Variant of Uncertain Significance. Algorithms developed to predict the effect of missense changes on protein structure and function are either unavailable or do not agree on the potential impact of this missense change (SIFT: "Tolerated"; PolyPhen-2: "Possibly Damaging"; Align-GVGD: "Class C0"). This variant has not been reported in the literature in individuals with NIPA1-related conditions. This variant is not present in population databases (ExAC no frequency). This sequence change replaces glycine with serine at codon 52 of the NIPA1 protein (p.Gly52Ser). The glycine residue is moderately conserved and there is a small physicochemical difference between glycine and serine.